The following is an entry in ClinVar:

ClinVar aggregate classification (germline): Uncertain significance. Review status: criteria provided, multiple submitters, no conflicts (2 of 4 stars). 2 submissions from 2 submitters: Uncertain significance (2). Last evaluated 2022-05-22.

Conditions:
Congenital contractural arachnodactyly (CCA). Also called: Arthrogryposis, distal, type 9; BEALS SYNDROME; Beals-Hecht syndrome. Identifiers: Orphanet 115, MedGen C0220668, MONDO:0007363, OMIM 121050.

Submissions (2):

3billion
Classification: Uncertain significance for Congenital contractural arachnodactyly. Last evaluated: 2022-05-22. Review status: criteria provided, single submitter. Criteria: ACMG Guidelines, 2015. Collection method: clinical testing. Allele origin: germline. Affected: yes. Observed: 1 heterozygote.
Comment: The variant is not observed in the gnomAD v2.1.1 dataset. Missense changes are a common disease-causing mechanism. In silico tool predictions suggest damaging effect of the variant on gene or gene product (REVEL: 0.82; 3Cnet: 0.79). Therefore, this variant is classified as uncertain significanceaccording to the recommendation of ACMG/AMP guideline.

GeneDx
Classification: Uncertain significance. Last evaluated: 2019-04-19. Review status: criteria provided, single submitter. Criteria: GeneDx Variant Classification Process June 2021. Collection method: clinical testing. Allele origin: germline. Affected: yes.
Comment: Not observed in large population cohorts (Lek et al., 2016); In silico analysis, which includes protein predictors and evolutionary conservation, supports a deleterious effect; Has not been previously published as pathogenic or benign to our knowledge; Although located in a calcium-binding EGF-like domain of the FBN2 gene, it does not affect a cysteine residue within this domain; cysteine substitutions in the calcium-binding EGF-like domains represent the majority of pathogenic missense changes associated with FBN2 related disorders (Collod-Beroud et al., 2003; Frederic et al., 2009).

NM_001999.4(FBN2):c.3907C>A (p.Pro1303Thr)

Gene: FBN2 (fibrillin 2; minus strand). Cytogenetic location: 5q23.3.
Variant type: single nucleotide variant.
Coding change: c.3907C>A on transcript NM_001999.4 (MANE Select); coding-DNA position 3907, C replaced by A.
Protein change: p.Pro1303Thr; replaces proline 1303 with threonine.
Molecular consequence: missense variant.
Genome position (GRCh38, 1-based): chr5:128,335,236, G>T on the plus strand (C>A on the coding strand, the complement: FBN2 is on the minus strand). VCF-style: chr5-128335236-G-T. GRCh37 (hg19) VCF-style: chr5-127670928-G-T.
Other names: short protein forms P1303T.
Identifiers: ClinVar variation 1305349 (VCV001305349.3), dbSNP rs2126896759, ClinGen allele CA360757434.